The following is an entry in ClinVar:

ClinVar aggregate classification (germline): Uncertain significance (1 of 4 stars; one submission).

gnomAD v4.1: 1 of 1,613,632 alleles (0.000062%); highest among the groups gnomAD compares: Non-Finnish European, 0.000085%; no homozygotes.

Submission:

GeneDx
Classification: Uncertain significance. Last evaluated: 2026-03-16. Review status: criteria provided, single submitter. Criteria: GeneDx Variant Classification Process June 2021. Collection method: clinical testing. Allele origin: germline.
Comment: Not observed at significant frequency in large population cohorts (gnomAD); In silico analysis suggests that this missense variant does not alter protein structure/function; Has not been previously published as pathogenic or benign to our knowledge

NM_015021.3(ZNF292):c.3748G>T (p.Val1250Phe)

Gene: ZNF292 (zinc finger protein 292; plus strand). Cytogenetic location: 6q14.3.
Variant type: single nucleotide variant.
Coding change: c.3748G>T on transcript NM_015021.3 (MANE Select); coding-DNA position 3748, G replaced by T.
Protein change: p.Val1250Phe; replaces valine 1250 with phenylalanine.
Molecular consequence: missense variant.
Genome position (GRCh38, 1-based): chr6:87,257,377, G>T. VCF-style: chr6-87257377-G-T. GRCh37 (hg19) VCF-style: chr6-87967095-G-T.
Other names: c.3328G>T, p.Val1110Phe (NM_001351444.2); short protein forms V1110F, V1250F.
Identifiers: ClinVar variation 5009273 (VCV005009273.1).